The following is an entry in ClinVar:

NM_001190274.2(FBXO11):c.74A>T (p.Gln25Leu)

Genes: FBXO11 (F-box protein 11; minus strand), LOC100506235 (uncharacterized LOC100506235; plus strand). Cytogenetic location: 2p16.3.
Variant type: single nucleotide variant.
Coding change: c.74A>T on transcript NM_001190274.2 (MANE Select); coding-DNA position 74, A replaced by T.
Protein change: p.Gln25Leu; replaces glutamine 25 with leucine.
Molecular consequence: missense variant.
Genome position (GRCh38, 1-based): chr2:47,905,647, T>A on the plus strand (A>T on the coding strand, the complement: FBXO11 is on the minus strand). VCF-style: chr2-47905647-T-A. GRCh37 (hg19) VCF-style: chr2-48132786-T-A.
Other names: short protein forms Q25L.
Identifiers: ClinVar variation 1476910 (VCV001476910.6), dbSNP rs2104141395, ClinGen allele CA346812930.
Genomic context (GRCh38, chr2:47,905,647, plus strand): 5'-GGCTGCTGCTGGGGCGGCTGCTGCTGGGGCGGCTGCGGCGGCGGCTGCTGCGGGGGCTGC[T>A]GCTGCTGTTGCTGCACCGGGCGCGGCCGCGACACTCGCCTGGGTCTCCGGTTGGCGGCTC-3'
Protein context (NP_001177203.1, residues 15-35): SRPRPVQQQQ[Gln25Leu]QPPQQPPPQP

ClinVar aggregate classification (germline): Uncertain significance (1 of 4 stars; one submission).

Submission:

Labcorp Genetics (formerly Invitae), Labcorp
Classification: Uncertain significance. Last evaluated: 2023-08-17. Review status: criteria provided, single submitter. Criteria: Invitae Variant Classification Sherloc (09022015). Collection method: clinical testing. Allele origin: germline.
Comment: This variant is not present in population databases (gnomAD no frequency). In summary, the available evidence is currently insufficient to determine the role of this variant in disease. Therefore, it has been classified as a Variant of Uncertain Significance. Experimental studies and prediction algorithms are not available or were not evaluated, and the functional significance of this variant is currently unknown. ClinVar contains an entry for this variant (Variation ID: 1476910). This variant has not been reported in the literature in individuals affected with FBXO11-related conditions. This sequence change replaces glutamine, which is neutral and polar, with leucine, which is neutral and non-polar, at codon 25 of the FBXO11 protein (p.Gln25Leu).